The following is an entry in ClinVar:

NM_172107.4(KCNQ2):c.1181T>C (p.Leu394Pro)

Gene: KCNQ2 (potassium voltage-gated channel subfamily Q member 2; minus strand). Cytogenetic location: 20q13.33.
Variant type: single nucleotide variant.
Coding change: c.1181T>C on transcript NM_172107.4 (MANE Select); coding-DNA position 1181, T replaced by C.
Protein change: p.Leu394Pro; replaces leucine 394 with proline.
Molecular consequence: missense variant.
Genome position (GRCh38, 1-based): chr20:63,428,403, A>G on the plus strand (T>C on the coding strand, the complement: KCNQ2 is on the minus strand). VCF-style: chr20-63428403-A-G. GRCh37 (hg19) VCF-style: chr20-62059756-A-G.
Other names: c.1151T>C, p.Leu384Pro (NM_004518.6); c.1181T>C, p.Leu394Pro (NM_172106.3, NM_172108.5); short protein forms L394P, L384P.
Identifiers: ClinVar variation 842767 (VCV000842767.10), dbSNP rs2080695319, ClinGen allele CA409649936.

ClinVar aggregate classification (germline): Uncertain significance (1 of 4 stars; one submission).

Conditions:
Early-infantile DEE. Also called: Ohtahara syndrome; Early infantile epileptic encephalopathy with suppression bursts; Early infantile epileptic encephalopathy. Identifiers: Orphanet 1934, MedGen C0393706, MONDO:0800491.

Submission:

Labcorp Genetics (formerly Invitae), Labcorp
Classification: Uncertain significance for Early-infantile DEE. Last evaluated: 2019-02-27. Review status: criteria provided, single submitter. Criteria: Invitae Variant Classification Sherloc (09022015). Collection method: clinical testing. Allele origin: germline.
Comment: In summary, the available evidence is currently insufficient to determine the role of this variant in disease. Therefore, it has been classified as a Variant of Uncertain Significance. Algorithms developed to predict the effect of missense changes on protein structure and function are either unavailable or do not agree on the potential impact of this missense change (SIFT: "Deleterious"; PolyPhen-2: "Possibly Damaging"; Align-GVGD: "Class C0"). This variant has not been reported in the literature in individuals with KCNQ2-related conditions. This variant is not present in population databases (ExAC no frequency). This sequence change replaces leucine with proline at codon 394 of the KCNQ2 protein (p.Leu394Pro). The leucine residue is moderately conserved and there is a moderate physicochemical difference between leucine and proline.